The following is an entry in ClinVar:

NM_201596.3(CACNB2):c.1822C>T (p.Arg608Cys)

Gene: CACNB2 (calcium voltage-gated channel auxiliary subunit beta 2; plus strand). Cytogenetic location: 10p12.31.
Variant type: single nucleotide variant.
Coding change: c.1822C>T on transcript NM_201596.3 (MANE Select); coding-DNA position 1822, C replaced by T.
Protein change: p.Arg608Cys; replaces arginine 608 with cysteine.
Molecular consequence: missense variant.
Genome position (GRCh38, 1-based): chr10:18,539,563, C>T. VCF-style: chr10-18539563-C-T. GRCh37 (hg19) VCF-style: chr10-18828492-C-T.
Other names: c.1657C>T, p.Arg553Cys (NM_000724.4); c.1624C>T, p.Arg542Cys (NM_001167945.2); c.1543C>T, p.Arg515Cys (NM_001330060.2); c.1678C>T, p.Arg560Cys (NM_201570.3); c.1738C>T, p.Arg580Cys (NM_201571.4); c.1666C>T, p.Arg556Cys (NM_201572.4); c.1660C>T, p.Arg554Cys (NM_201590.3); c.1708C>T, p.Arg570Cys (NM_201593.3); and 1 more; short protein forms R554C, R608C, R515C, R553C, R580C, R584C, R556C, R570C.
Identifiers: ClinVar variation 537367 (VCV000537367.13), dbSNP rs994878062, ClinGen allele CA203167351.
Genomic context (GRCh38, chr10:18,539,563, plus strand): 5'-CACAACCACAGAGACGAGACCCACGGGAGCAGTGACCACAGACACAGGGAGTCCCGGCAC[C>T]GTTCCCGGGACGTGGATCGAGAGCAGGACCACAACGAGTGCAACAAGCAGCGCAGCCGTC-3'
Protein context (NP_963890.2, residues 598-618): SDHRHRESRH[Arg608Cys]SRDVDREQDH

ClinVar aggregate classification (germline): Uncertain significance. Review status: criteria provided, multiple submitters, no conflicts (2 of 4 stars). 4 submissions from 4 submitters: Uncertain significance (4). Last evaluated 2026-08-17.

Conditions:
Cardiovascular phenotype. Identifiers: MedGen CN230736.
Brugada syndrome 4 (BRGDA4). Identifiers: Orphanet 130, MedGen C2678477, MONDO:0012743, OMIM 611876.
CACNB2-related disorder. Also called: CACNB2-related condition.

Allele frequency attached by ClinVar (database versions not stated): TOPMed 0.00002; gnomAD 0.00006.
gnomAD v4.1: 120 of 1,613,766 alleles (0.0074%); highest among the groups gnomAD compares: East Asian, 0.011%; no homozygotes.

Submissions (4):

PreventionGenetics, part of Exact Sciences
Classification: Uncertain significance for CACNB2-related condition. Last evaluated: 2026-08-17. Review status: criteria provided, single submitter. Criteria: ACMG Guidelines, 2015. Collection method: clinical testing. Allele origin: germline.
Comment: The CACNB2 c.1660C>T variant is predicted to result in the amino acid substitution p.Arg554Cys. To our knowledge, this variant has not been reported in the literature. This variant is reported in 0.0047% of alleles in individuals of European (Non-Finnish) descent in gnomAD. At this time, the clinical significance of this variant is uncertain due to the absence of conclusive functional and genetic evidence.

Labcorp Genetics (formerly Invitae), Labcorp
Classification: Uncertain significance for Brugada syndrome 4. Last evaluated: 2026-01-02. Review status: criteria provided, single submitter. Criteria: Invitae Variant Classification Sherloc (09022015). Collection method: clinical testing. Allele origin: germline.
Comment: This sequence change replaces arginine, which is basic and polar, with cysteine, which is neutral and slightly polar, at codon 554 of the CACNB2 protein (p.Arg554Cys). This variant is present in population databases (no rsID available, gnomAD 0.005%). This variant has not been reported in the literature in individuals affected with CACNB2-related conditions. ClinVar contains an entry for this variant (Variation ID: 537367). An algorithm developed to predict the effect of missense changes on protein structure and function (PolyPhen-2) suggests that this variant is likely to be disruptive. In summary, the available evidence is currently insufficient to determine the role of this variant in disease. Therefore, it has been classified as a Variant of Uncertain Significance.

Ambry Genetics
Classification: Uncertain significance for Cardiovascular phenotype. Last evaluated: 2024-12-19. Review status: criteria provided, single submitter. Criteria: Ambry Variant Classification Scheme 2023. Collection method: clinical testing. Allele origin: germline.
Comment: The p.R554C variant (also known as c.1660C>T), located in coding exon 13 of the CACNB2 gene, results from a C to T substitution at nucleotide position 1660. The arginine at codon 554 is replaced by cysteine, an amino acid with highly dissimilar properties. This amino acid position is well conserved in available vertebrate species. In addition, the in silico prediction for this alteration is inconclusive. Since supporting evidence is limited at this time, the clinical significance of this alteration remains unclear.

Fulgent Genetics
Classification: Uncertain significance for Brugada syndrome 4. Last evaluated: 2021-11-20. Review status: criteria provided, single submitter. Criteria: ACMG Guidelines, 2015. Collection method: clinical testing. Allele origin: unknown.